The following is an entry in ClinVar:

NM_005720.4(ARPC1B):c.971T>G (p.Leu324Arg)

Gene: ARPC1B (actin related protein 2/3 complex subunit 1B; plus strand). Cytogenetic location: 7q22.1.
Variant type: single nucleotide variant.
Coding change: c.971T>G on transcript NM_005720.4 (MANE Select); coding-DNA position 971, T replaced by G.
Protein change: p.Leu324Arg; replaces leucine 324 with arginine.
Molecular consequence: missense variant.
Genome position (GRCh38, 1-based): chr7:99,392,858, T>G. VCF-style: chr7-99392858-T-G. GRCh37 (hg19) VCF-style: chr7-98990481-T-G.
Other names: short protein forms L324R.
Identifiers: ClinVar variation 3389260 (VCV003389260.14).

ClinVar aggregate classification (germline): Uncertain significance (1 of 4 stars; one submission).

gnomAD v4.1: 34 of 1,546,826 alleles (0.0022%); highest among the groups gnomAD compares: Non-Finnish European, 0.003%; no homozygotes.

Submission:

CeGaT Center for Human Genetics Tuebingen
Classification: Uncertain significance. Last evaluated: 2024-10-01. Review status: criteria provided, single submitter. Criteria: CeGaT Center For Human Genetics Tuebingen Variant Classification Criteria Version 2. Collection method: clinical testing. Allele origin: germline. Affected: yes. Observed: 1 variant allele.
Comment: ARPC1B: PM2